The following is an entry in ClinVar:

NM_004655.4(AXIN2):c.319A>G (p.Thr107Ala)

Gene: AXIN2 (axin 2; minus strand). Cytogenetic location: 17q24.1.
Variant type: single nucleotide variant.
Coding change: c.319A>G on transcript NM_004655.4 (MANE Select); coding-DNA position 319, A replaced by G.
Protein change: p.Thr107Ala; replaces threonine 107 with alanine.
Molecular consequence: missense variant.
Genome position (GRCh38, 1-based): chr17:65,558,302, T>C on the plus strand (A>G on the coding strand, the complement: AXIN2 is on the minus strand). VCF-style: chr17-65558302-T-C. GRCh37 (hg19) VCF-style: chr17-63554420-T-C.
Other names: c.319A>G, p.Thr107Ala (NM_001363813.1); c.319A>G (LRG_296t1); short protein forms T107A.
Identifiers: ClinVar variation 533189 (VCV000533189.13), dbSNP rs1555583537, ClinGen allele CA400681664.

ClinVar aggregate classification (germline): Uncertain significance. Review status: criteria provided, multiple submitters, no conflicts (2 of 4 stars). 2 submissions from 2 submitters: Uncertain significance (2). Last evaluated 2025-08-16.

Conditions:
Hereditary cancer-predisposing syndrome. Also called: Hereditary neoplastic syndrome; Neoplastic Syndromes, Hereditary; Tumor predisposition; Hereditary Cancer Syndrome. Identifiers: Orphanet 140162, MedGen C0027672, MeSH D009386, MONDO:0015356.
Oligodontia-cancer predisposition syndrome. Also called: TOOTH AGENESIS-COLORECTAL CANCER SYNDROME. Identifiers: Orphanet 300576, MedGen C1837750, MONDO:0012075, OMIM 608615. Disease mechanism: loss of function.

Submissions (2):

Labcorp Genetics (formerly Invitae), Labcorp
Classification: Uncertain significance for Oligodontia-cancer predisposition syndrome. Last evaluated: 2025-08-16. Review status: criteria provided, single submitter. Criteria: Invitae Variant Classification Sherloc (09022015). Collection method: clinical testing. Allele origin: germline.
Comment: This sequence change replaces threonine, which is neutral and polar, with alanine, which is neutral and non-polar, at codon 107 of the AXIN2 protein (p.Thr107Ala). This variant is not present in population databases (gnomAD no frequency). This variant has not been reported in the literature in individuals affected with AXIN2-related conditions. ClinVar contains an entry for this variant (Variation ID: 533189). Invitae Evidence Modeling of protein sequence and biophysical properties (such as structural, functional, and spatial information, amino acid conservation, physicochemical variation, residue mobility, and thermodynamic stability) indicates that this missense variant is not expected to disrupt AXIN2 protein function with a negative predictive value of 80%. In summary, the available evidence is currently insufficient to determine the role of this variant in disease. Therefore, it has been classified as a Variant of Uncertain Significance.

Ambry Genetics
Classification: Uncertain significance for Hereditary cancer-predisposing syndrome. Last evaluated: 2022-04-24. Review status: criteria provided, single submitter. Criteria: Ambry Variant Classification Scheme 2023. Collection method: clinical testing. Allele origin: germline.
Comment: The p.T107A variant (also known as c.319A>G), located in coding exon 1 of the AXIN2 gene, results from an A to G substitution at nucleotide position 319. The threonine at codon 107 is replaced by alanine, an amino acid with similar properties. This amino acid position is conserved. In addition, this alteration is predicted to be tolerated by in silico analysis. Since supporting evidence is limited at this time, the clinical significance of this alteration remains unclear.